The following is an entry in ClinVar:

NM_003680.4(YARS1):c.820G>A (p.Glu274Lys)

Genes: YARS1 (tyrosyl-tRNA synthetase 1; minus strand), LOC126805688 (BRD4-independent group 4 enhancer GRCh37_chr1:33251929-33253128; plus strand). Cytogenetic location: 1p35.1.
Variant type: single nucleotide variant.
Coding change: c.820G>A on transcript NM_003680.4 (MANE Select); coding-DNA position 820, G replaced by A.
Protein change: p.Glu274Lys; replaces glutamic acid 274 with lysine.
Molecular consequence: missense variant.
Genome position (GRCh38, 1-based): chr1:32,786,940, C>T on the plus strand (G>A on the coding strand, the complement: YARS1 is on the minus strand). VCF-style: chr1-32786940-C-T. GRCh37 (hg19) VCF-style: chr1-33252541-C-T.
Other names: short protein forms E274K.
Identifiers: ClinVar variation 1681512 (VCV001681512.4), dbSNP rs758897498, ClinGen allele CA745104.

ClinVar aggregate classification (germline): Uncertain significance (1 of 4 stars; one submission).

Conditions:
Charcot-Marie-Tooth disease dominant intermediate C (CMTDIC). Also called: CHARCOT-MARIE-TOOTH NEUROPATHY, DOMINANT INTERMEDIATE C. Identifiers: Orphanet 100045, MedGen C1842237, MONDO:0012012, OMIM 608323.

Submission:

Labcorp Genetics (formerly Invitae), Labcorp
Classification: Uncertain significance for Charcot-Marie-Tooth disease dominant intermediate C. Last evaluated: 2025-02-27. Review status: criteria provided, single submitter. Criteria: Invitae Variant Classification Sherloc (09022015). Collection method: clinical testing. Allele origin: germline.
Comment: This sequence change replaces glutamic acid, which is acidic and polar, with lysine, which is basic and polar, at codon 274 of the YARS protein (p.Glu274Lys). This variant also falls at the last nucleotide of exon 7, which is part of the consensus splice site for this exon. This variant is present in population databases (rs758897498, gnomAD 0.003%). This missense change has been observed in individual(s) with clinical features of autosomal dominant YARS-related conditions (PMID: 24627108). ClinVar contains an entry for this variant (Variation ID: 1681512). An algorithm developed to predict the effect of missense changes on protein structure and function (PolyPhen-2) suggests that this variant is likely to be tolerated. Variants that disrupt the consensus splice site are a relatively common cause of aberrant splicing (PMID: 17576681, 9536098). Algorithms developed to predict the effect of sequence changes on RNA splicing suggest that this variant may disrupt the consensus splice site. In summary, the available evidence is currently insufficient to determine the role of this variant in disease. Therefore, it has been classified as a Variant of Uncertain Significance.

Literature cited by the submitters: PubMed 24627108; PubMed 17576681; PubMed 9536098.